The following is an entry in ClinVar:

ClinVar aggregate classification (germline): Pathogenic (1 of 4 stars; one submission).

Conditions:
Osteogenesis imperfecta type 7 (OI7). Also called: OSTEOGENESIS IMPERFECTA, TYPE IIB; Osteogenesis imperfecta type 2B; OI type 2B; Osteogenesis imperfecta, perinatal lethal autosomal recessive; OI type IIB; OI type 7. Identifiers: MedGen C1853162, MONDO:0012536, OMIM 610682.

Submission:

Labcorp Genetics (formerly Invitae), Labcorp
Classification: Pathogenic for Osteogenesis imperfecta type 7. Last evaluated: 2025-11-22. Review status: criteria provided, single submitter. Criteria: Invitae Variant Classification Sherloc (09022015). Collection method: clinical testing. Allele origin: germline.
Comment: This sequence change affects an acceptor splice site in intron 4 of the CRTAP gene. It is expected to disrupt RNA splicing. Variants that disrupt the donor or acceptor splice site typically lead to a loss of protein function (PMID: 16199547), and loss-of-function variants in CRTAP are known to be pathogenic (PMID: 17055431, 19862557, 24715559). This variant is not present in population databases (gnomAD no frequency). Disruption of this splice site has been observed in individual(s) with osteogenesis imperfecta, type III (PMID: 19550437). ClinVar contains an entry for this variant (Variation ID: 2715306). Algorithms developed to predict the effect of sequence changes on RNA splicing suggest that this variant may disrupt the consensus splice site. For these reasons, this variant has been classified as Pathogenic.

Literature cited by the submitters: PubMed 16199547; PubMed 17055431; PubMed 19862557; PubMed 24715559; PubMed 19550437.

NM_006371.5(CRTAP):c.923-2A>G

Gene: CRTAP (cartilage associated protein; plus strand). Cytogenetic location: 3p22.3.
Variant type: single nucleotide variant.
Coding change: c.923-2A>G on transcript NM_006371.5 (MANE Select); the canonical splice acceptor site of the intron before coding-DNA position 923, A replaced by G.
Molecular consequence: splice acceptor variant.
Genome position (GRCh38, 1-based): chr3:33,132,553, A>G. VCF-style: chr3-33132553-A-G. GRCh37 (hg19) VCF-style: chr3-33174045-A-G.
Other names: c.923-2A>G (NM_001393363.1); c.794-2A>G (NM_001393364.1); c.773-2A>G (NM_001393365.1).
Identifiers: ClinVar variation 2715306 (VCV002715306.3), dbSNP rs137853947, ClinGen allele CA72669236.